The following is an entry in ClinVar:

NM_015072.5(TTLL5):c.2657C>G (p.Ser886Cys)

Gene: TTLL5 (tubulin tyrosine ligase like 5; plus strand). Cytogenetic location: 14q24.3.
Variant type: single nucleotide variant.
Coding change: c.2657C>G on transcript NM_015072.5 (MANE Select); coding-DNA position 2657, C replaced by G.
Protein change: p.Ser886Cys; replaces serine 886 with cysteine.
Molecular consequence: missense variant.
Genome position (GRCh38, 1-based): chr14:75,783,201, C>G. VCF-style: chr14-75783201-C-G. GRCh37 (hg19) VCF-style: chr14-76249544-C-G.
Other names: short protein forms S886C.
Identifiers: ClinVar variation 1714474 (VCV001714474.5), dbSNP rs2503309268, ClinGen allele CA390472084.

ClinVar aggregate classification (germline): Uncertain significance (1 of 4 stars; one submission).

Allele frequency attached by ClinVar (database versions not stated): gnomAD exomes below 0.00001.
gnomAD v4.1: 1 of 1,614,056 alleles (0.000062%); highest among the groups gnomAD compares: South Asian, 0.0011%; no homozygotes.

Submission:

Labcorp Genetics (formerly Invitae), Labcorp
Classification: Uncertain significance. Last evaluated: 2022-07-15. Review status: criteria provided, single submitter. Criteria: Invitae Variant Classification Sherloc (09022015). Collection method: clinical testing. Allele origin: germline.
Comment: Algorithms developed to predict the effect of missense changes on protein structure and function (SIFT, PolyPhen-2, Align-GVGD) all suggest that this variant is likely to be tolerated. This variant has not been reported in the literature in individuals affected with TTLL5-related conditions. This variant is not present in population databases (gnomAD no frequency). This sequence change replaces serine, which is neutral and polar, with cysteine, which is neutral and slightly polar, at codon 886 of the TTLL5 protein (p.Ser886Cys). In summary, the available evidence is currently insufficient to determine the role of this variant in disease. Therefore, it has been classified as a Variant of Uncertain Significance.